The following is an entry in ClinVar:

NM_000245.4(MET):c.3529A>G (p.Thr1177Ala)

Gene: MET (MET proto-oncogene, receptor tyrosine kinase; plus strand). Cytogenetic location: 7q31.2.
Variant type: single nucleotide variant.
Coding change: c.3529A>G on transcript NM_000245.4 (MANE Select); coding-DNA position 3529, A replaced by G.
Protein change: p.Thr1177Ala; replaces threonine 1177 with alanine.
Molecular consequence: missense variant.
Genome position (GRCh38, 1-based): chr7:116,781,994, A>G. VCF-style: chr7-116781994-A-G. GRCh37 (hg19) VCF-style: chr7-116422048-A-G.
Other names: c.3583A>G, p.Thr1195Ala (NM_001127500.3); c.2239A>G, p.Thr747Ala (NM_001324402.2); short protein forms T747A, T1177A, T1195A.
Identifiers: ClinVar variation 2129770 (VCV002129770.4), dbSNP rs2117059400, ClinGen allele CA368990891.

ClinVar aggregate classification (germline): Uncertain significance (1 of 4 stars; one submission).

Conditions:
Renal cell carcinoma. Identifiers: Orphanet 217071, MedGen C0007134, MeSH D002292, MONDO:0005086, HP:0005584.

Submission:

Labcorp Genetics (formerly Invitae), Labcorp
Classification: Uncertain significance for Renal cell carcinoma. Last evaluated: 2022-04-23. Review status: criteria provided, single submitter. Criteria: Invitae Variant Classification Sherloc (09022015). Collection method: clinical testing. Allele origin: germline.
Comment: In summary, the available evidence is currently insufficient to determine the role of this variant in disease. Therefore, it has been classified as a Variant of Uncertain Significance. Algorithms developed to predict the effect of missense changes on protein structure and function are either unavailable or do not agree on the potential impact of this missense change (SIFT: "Deleterious"; PolyPhen-2: "Probably Damaging"; Align-GVGD: "Class C0"). This variant has not been reported in the literature in individuals affected with MET-related conditions. This variant is not present in population databases (gnomAD no frequency). This sequence change replaces threonine, which is neutral and polar, with alanine, which is neutral and non-polar, at codon 1195 of the MET protein (p.Thr1195Ala).